The following is an entry in ClinVar:

NM_000236.3(LIPC):c.958C>G (p.Arg320Gly)

Gene: LIPC (lipase C, hepatic type; plus strand). Cytogenetic location: 15q21.3.
Variant type: single nucleotide variant.
Coding change: c.958C>G on transcript NM_000236.3 (MANE Select); coding-DNA position 958, C replaced by G.
Protein change: p.Arg320Gly; replaces arginine 320 with glycine.
Molecular consequence: missense variant.
Genome position (GRCh38, 1-based): chr15:58,548,479, C>G. VCF-style: chr15-58548479-C-G. GRCh37 (hg19) VCF-style: chr15-58840678-C-G.
Other names: short protein forms R320G.
Identifiers: ClinVar variation 2523418 (VCV002523418.4), dbSNP rs777496353, ClinGen allele CA7585054.

ClinVar aggregate classification (germline): Uncertain significance. Review status: criteria provided, multiple submitters, no conflicts (2 of 4 stars). 2 submissions from 2 submitters: Uncertain significance (2). Last evaluated 2024-02-29.

gnomAD v4.1: 18 of 1,610,822 alleles (0.0011%); highest among the groups gnomAD compares: East Asian, 0.0089%; no homozygotes.

Submissions (2):

Labcorp Genetics (formerly Invitae), Labcorp
Classification: Uncertain significance. Last evaluated: 2024-02-29. Review status: criteria provided, single submitter. Criteria: Invitae Variant Classification Sherloc (09022015). Collection method: clinical testing. Allele origin: germline.
Comment: This sequence change replaces arginine, which is basic and polar, with glycine, which is neutral and non-polar, at codon 320 of the LIPC protein (p.Arg320Gly). This variant is present in population databases (rs777496353, gnomAD 0.005%). This variant has not been reported in the literature in individuals affected with LIPC-related conditions. ClinVar contains an entry for this variant (Variation ID: 2523418). Advanced modeling of protein sequence and biophysical properties (such as structural, functional, and spatial information, amino acid conservation, physicochemical variation, residue mobility, and thermodynamic stability) performed at Invitae indicates that this missense variant is not expected to disrupt LIPC protein function with a negative predictive value of 80%. In summary, the available evidence is currently insufficient to determine the role of this variant in disease. Therefore, it has been classified as a Variant of Uncertain Significance.

Ambry Genetics
Classification: Uncertain significance. Last evaluated: 2023-05-16. Review status: criteria provided, single submitter. Criteria: Ambry Variant Classification Scheme 2023. Collection method: clinical testing. Allele origin: germline.
Comment: Does not currently meet published gene-disease clinical validity criteria. Based on insufficient or conflicting evidence, the clinical significance of this alteration remains unclear.

Literature cited by the submitters: PubMed 28106320 (cited by Ambry Genetics).